The following is an entry in ClinVar:

ClinVar aggregate classification (germline): Uncertain significance (1 of 4 stars; one submission).

gnomAD v4.1: 1 of 1,502,474 alleles (0.000067%); highest among the groups gnomAD compares: Non-Finnish European, 0.000088%; no homozygotes.

Submission:

Labcorp Genetics (formerly Invitae), Labcorp
Classification: Uncertain significance. Last evaluated: 2025-06-11. Review status: criteria provided, single submitter. Criteria: Invitae Variant Classification Sherloc (09022015). Collection method: clinical testing. Allele origin: germline.
Comment: This sequence change replaces valine, which is neutral and non-polar, with glutamic acid, which is acidic and polar, at codon 67 of the TRIM28 protein (p.Val67Glu). This variant is not present in population databases (gnomAD no frequency). This variant has not been reported in the literature in individuals affected with TRIM28-related conditions. Experimental studies and prediction algorithms are not available or were not evaluated, and the functional significance of this variant is currently unknown. In summary, the available evidence is currently insufficient to determine the role of this variant in disease. Therefore, it has been classified as a Variant of Uncertain Significance.

NM_005762.3(TRIM28):c.200T>A (p.Val67Glu)

Genes: TRIM28 (tripartite motif containing 28; plus strand), LOC130065239 (ATAC-STARR-seq lymphoblastoid silent region 11093; plus strand). Cytogenetic location: 19q13.43.
Variant type: single nucleotide variant.
Coding change: c.200T>A on transcript NM_005762.3 (MANE Select); coding-DNA position 200, T replaced by A.
Protein change: p.Val67Glu; replaces valine 67 with glutamic acid.
Molecular consequence: missense variant.
Genome position (GRCh38, 1-based): chr19:58,544,957, T>A. VCF-style: chr19-58544957-T-A. GRCh37 (hg19) VCF-style: chr19-59056324-T-A.
Other names: short protein forms V67E.
Identifiers: ClinVar variation 4721279 (VCV004721279.1).